The following is an entry in ClinVar:

NM_033305.3(VPS13A):c.1886G>C (p.Ser629Thr)

Gene: VPS13A (vacuolar protein sorting 13 homolog A; plus strand). Cytogenetic location: 9q21.2.
Variant type: single nucleotide variant.
Coding change: c.1886G>C on transcript NM_033305.3 (MANE Select); coding-DNA position 1886, G replaced by C.
Protein change: p.Ser629Thr; replaces serine 629 with threonine.
Molecular consequence: missense variant.
Genome position (GRCh38, 1-based): chr9:77,238,372, G>C. VCF-style: chr9-77238372-G-C. GRCh37 (hg19) VCF-style: chr9-79853288-G-C.
Other names: c.1886G>C, p.Ser629Thr (NM_001018037.2, NM_001018038.3, NM_015186.4); short protein forms S629T.
Identifiers: ClinVar variation 2595243 (VCV002595243.3), dbSNP rs200621380, ClinGen allele CA5091796.

ClinVar aggregate classification (germline): Conflicting classifications of pathogenicity. Review status: criteria provided, conflicting classifications (1 of 4 stars). 2 submissions from 2 submitters: Uncertain significance (1); Likely benign (1). Last evaluated 2024-03-27.

Conditions:
Inborn genetic diseases. Identifiers: MedGen C0950123, MeSH D030342.

Allele frequency attached by ClinVar (database versions not stated): gnomAD exomes 0.00002; ExAC 0.00005; ESP Exome Variant Server 0.00008; gnomAD 0.00023; TOPMed 0.00025; 1000 Genomes Project 0.00040; 1000 Genomes Project 30x 0.00047.
gnomAD v4.1: 60 of 1,613,324 alleles (0.0037%); highest among the groups gnomAD compares: African/African-American, 0.065%; no homozygotes.

Submissions (2):

Labcorp Genetics (formerly Invitae), Labcorp
Classification: Uncertain significance. Last evaluated: 2024-03-27. Review status: criteria provided, single submitter. Criteria: Invitae Variant Classification Sherloc (09022015). Collection method: clinical testing. Allele origin: germline.
Comment: This sequence change replaces serine, which is neutral and polar, with threonine, which is neutral and polar, at codon 629 of the VPS13A protein (p.Ser629Thr). The frequency data for this variant in the population databases is considered unreliable, as metrics indicate poor data quality at this position in the gnomAD database. This variant has not been reported in the literature in individuals affected with VPS13A-related conditions. ClinVar contains an entry for this variant (Variation ID: 2595243). Advanced modeling of protein sequence and biophysical properties (such as structural, functional, and spatial information, amino acid conservation, physicochemical variation, residue mobility, and thermodynamic stability) performed at Invitae indicates that this missense variant is expected to disrupt VPS13A protein function with a positive predictive value of 80%. In summary, the available evidence is currently insufficient to determine the role of this variant in disease. Therefore, it has been classified as a Variant of Uncertain Significance.

Ambry Genetics
Classification: Likely benign for Inborn genetic diseases. Last evaluated: 2023-08-22. Review status: criteria provided, single submitter. Criteria: Ambry Variant Classification Scheme 2023. Collection method: clinical testing. Allele origin: germline.